The following is an entry in ClinVar:

ClinVar aggregate classification (germline): Conflicting classifications of pathogenicity. Review status: criteria provided, conflicting classifications (1 of 4 stars). 3 submissions from 3 submitters: Pathogenic (2); Uncertain significance (1). Last evaluated 2025-06-27.

Conditions:
HYDIN-related disorders.
Primary ciliary dyskinesia 5. Also called: CILIARY DYSKINESIA, PRIMARY, 5, WITHOUT SITUS INVERSUS. Identifiers: Orphanet 244, MedGen C1837615, MONDO:0012088, OMIM 608647.

gnomAD v4.1: 47 of 1,611,712 alleles (0.0029%); highest among the groups gnomAD compares: Non-Finnish European, 0.0039%; no homozygotes.

Submissions (3):

Broad Center for Mendelian Genomics, Broad Institute of MIT and Harvard
Classification: Pathogenic for Primary ciliary dyskinesia 5. Last evaluated: 2025-06-27. Review status: criteria provided, single submitter. Criteria: ACMG Guidelines, 2015. Collection method: curation. Allele origin: germline. Inheritance: Autosomal recessive inheritance. Study: GREGoR Consortium.
Comment: The phase of these variants are unknown at this time. The p.Arg3476Ter variant in HYDIN has been reported in 9 individuals with primary ciliary dyskinesia, segregated with disease in 4 affected relatives from 4 families (PMID: 36112114), and has been identified in 0.004% (46/1178606) of European (non-Finnish) chromosomes by the Genome Aggregation Database (gnomAD; dbSNP rs780790869). Although this variant has been seen in the general population in a heterozygous state, its frequency is low enough to be consistent with a recessive carrier frequency. This variant has been reported in ClinVar (Variation ID: 3393206) and has been interpreted as a variant of uncertain significance by Genomic Medicine Center of Excellence (King Faisal Specialist Hospital and Research Centre). Of the 10 total affected individuals, 4 were homozygotes and 5 were compound heterozygotes that carried a likely pathogenic variant in trans, which increases the likelihood that the p.Arg3476Ter variant is pathogenic (PMID: 36112114). This nonsense variant leads to a premature termination codon at position 3476, which is predicted to lead to a truncated or absent protein. Loss of function of the HYDIN gene is an established mechanism of disease in autosomal recessive primary ciliary dyskinesia. In summary, this variant meets criteria to be classified as pathogenic for autosomal recessive primary ciliary dyskinesia. ACMG/AMP Criteria applied: PVS1, PM3_strong, PP1_moderate, PM2_supporting (Richards 2015).

Genomic Medicine Center of Excellence, King Faisal Specialist Hospital and Research Centre
Classification: Uncertain significance for Primary ciliary dyskinesia 5. Last evaluated: 2024-12-19. Review status: criteria provided, single submitter. Criteria: ACMG Guidelines, 2015. Collection method: clinical testing. Allele origin: germline.

Blueprint Genetics
Classification: Pathogenic for HYDIN-related disorders. Last evaluated: 2024-11-21. Review status: criteria provided, single submitter. Criteria: ACMG Guidelines, 2015. Collection method: clinical testing. Allele origin: germline. Affected: yes. Observed: 5 variant alleles.

NM_001270974.2(HYDIN):c.10426C>T (p.Arg3476Ter)

Gene: HYDIN (HYDIN axonemal central pair apparatus protein; minus strand). Cytogenetic location: 16q22.2.
Variant type: single nucleotide variant.
Coding change: c.10426C>T on transcript NM_001270974.2 (MANE Select); coding-DNA position 10426, C replaced by T.
Protein change: p.Arg3476Ter; replaces arginine 3476 with a stop codon.
Molecular consequence: nonsense.
Genome position (GRCh38, 1-based): chr16:70,879,428, G>A on the plus strand (C>T on the coding strand, the complement: HYDIN is on the minus strand). VCF-style: chr16-70879428-G-A. GRCh37 (hg19) VCF-style: chr16-70913331-G-A.
Other names: NM_001270974.2(HYDIN):c.10426C>T; p.Arg3476Ter; short protein forms R3476*.
Identifiers: ClinVar variation 3393206 (VCV003393206.3).